The following is an entry in ClinVar:

NM_000744.7(CHRNA4):c.1075A>T (p.Lys359Ter)

Gene: CHRNA4 (cholinergic receptor nicotinic alpha 4 subunit; minus strand). Cytogenetic location: 20q13.33.
Variant type: single nucleotide variant.
Coding change: c.1075A>T on transcript NM_000744.7 (MANE Select); coding-DNA position 1075, A replaced by T.
Protein change: p.Lys359Ter; replaces lysine 359 with a stop codon.
Molecular consequence: nonsense. On other transcripts: non-coding transcript variant (1).
Genome position (GRCh38, 1-based): chr20:63,350,336, T>A on the plus strand (A>T on the coding strand, the complement: CHRNA4 is on the minus strand). VCF-style: chr20-63350336-T-A. GRCh37 (hg19) VCF-style: chr20-61981688-T-A.
Other names: c.547A>T, p.Lys183Ter (NM_001256573.2); short protein forms K359*, K183*.
Identifiers: ClinVar variation 476998 (VCV000476998.6), dbSNP rs1555837732, ClinGen allele CA409635277.

ClinVar aggregate classification (germline): Uncertain significance (1 of 4 stars; one submission).

Conditions:
Familial sleep-related hypermotor epilepsy. Also called: Autosomal Dominant Sleep-Related Hypermotor (Hyperkinetic) Epilepsy. Identifiers: Orphanet 98784, MedGen C3696898, MONDO:0000030.

Submission:

Labcorp Genetics (formerly Invitae), Labcorp
Classification: Uncertain significance. Last evaluated: 2020-01-24. Review status: criteria provided, single submitter. Criteria: Invitae Variant Classification Sherloc (09022015). Collection method: clinical testing. Allele origin: germline.
Comment: The current clinical and genetic evidence is not sufficient to establish whether loss-of-function variants in CHRNA4 cause disease. Therefore, this variant has been classified as a Variant of Uncertain Significance. This variant is not present in population databases (ExAC no frequency) and has not been reported in the literature in individuals with a CHRNA4-related disease. This sequence change creates a premature translational stop signal at codon 359 (p.Lys359*) of the CHRNA4 gene. It is expected to result in an absent or disrupted protein product.